The following is an entry in ClinVar:

NM_004984.4(KIF5A):c.1870C>T (p.Arg624Trp)

Gene: KIF5A (kinesin family member 5A; plus strand). Cytogenetic location: 12q13.3.
Variant type: single nucleotide variant.
Coding change: c.1870C>T on transcript NM_004984.4 (MANE Select); coding-DNA position 1870, C replaced by T.
Protein change: p.Arg624Trp; replaces arginine 624 with tryptophan.
Molecular consequence: missense variant.
Genome position (GRCh38, 1-based): chr12:57,575,237, C>T. VCF-style: chr12-57575237-C-T. GRCh37 (hg19) VCF-style: chr12-57969020-C-T.
Other names: c.1603C>T, p.Arg535Trp (NM_001354705.2); short protein forms R535W, R624W.
Identifiers: ClinVar variation 1313524 (VCV001313524.7), dbSNP rs748248329, ClinGen allele CA6652927.

ClinVar aggregate classification (germline): Conflicting classifications of pathogenicity. Review status: criteria provided, conflicting classifications (1 of 4 stars). 2 submissions from 2 submitters: Uncertain significance (1); Likely benign (1). Last evaluated 2026-01-14.

Conditions:
Spastic paraplegia. Identifiers: MedGen C0037772, HP:0001258.

Allele frequency attached by ClinVar (database versions not stated): gnomAD 0.00001 and 0.00002; gnomAD exomes 0.00001 and 0.00002; TOPMed 0.00001; ExAC 0.00003.
gnomAD v4.1: 14 of 1,613,536 alleles (0.00087%); highest among the groups gnomAD compares: Admixed American, 0.005%; no homozygotes.

Submissions (2):

Labcorp Genetics (formerly Invitae), Labcorp
Classification: Likely benign for Spastic paraplegia. Last evaluated: 2026-01-14. Review status: criteria provided, single submitter. Criteria: Invitae Variant Classification Sherloc (09022015). Collection method: clinical testing. Allele origin: germline.

GeneDx
Classification: Uncertain significance. Last evaluated: 2020-10-22. Review status: criteria provided, single submitter. Criteria: GeneDx Variant Classification Process June 2021. Collection method: clinical testing. Allele origin: germline. Affected: yes.
Comment: In silico analysis supports that this missense variant has a deleterious effect on protein structure/function; Has not been previously published as pathogenic or benign to our knowledge; In silico analysis, which includes splice predictors and evolutionary conservation, suggests this variant may impact gene splicing. In the absence of RNA/functional studies, the actual effect of this sequence change is unknown.